The following is an entry in ClinVar:

NM_199420.4(POLQ):c.3079C>T (p.Pro1027Ser)

Gene: POLQ (DNA polymerase theta; minus strand). Cytogenetic location: 3q13.33.
Variant type: single nucleotide variant.
Coding change: c.3079C>T on transcript NM_199420.4 (MANE Select); coding-DNA position 3079, C replaced by T.
Protein change: p.Pro1027Ser; replaces proline 1027 with serine.
Molecular consequence: missense variant.
Genome position (GRCh38, 1-based): chr3:121,489,852, G>A on the plus strand (C>T on the coding strand, the complement: POLQ is on the minus strand). VCF-style: chr3-121489852-G-A. GRCh37 (hg19) VCF-style: chr3-121208699-G-A.
Other names: short protein forms P1027S.
Identifiers: ClinVar variation 1727336 (VCV001727336.3), dbSNP rs1208414625, ClinGen allele CA354103098.

ClinVar aggregate classification (germline): Uncertain significance (1 of 4 stars; one submission).

Allele frequency attached by ClinVar (database versions not stated): gnomAD 0.00001.
gnomAD v4.1: 3 of 1,608,350 alleles (0.00019%); highest among the groups gnomAD compares: African/African-American, 0.0013%; no homozygotes.

Submission:

Ambry Genetics
Classification: Uncertain significance. Last evaluated: 2024-04-22. Review status: criteria provided, single submitter. Criteria: Ambry Variant Classification Scheme 2023. Collection method: clinical testing. Allele origin: germline.
Comment: The p.P1027S variant (also known as c.3079C>T), located in coding exon 16 of the POLQ gene, results from a C to T substitution at nucleotide position 3079. The proline at codon 1027 is replaced by serine, an amino acid with similar properties. This amino acid position is conserved. In addition, this alteration is predicted to be tolerated by in silico analysis. Since supporting evidence is limited at this time, the clinical significance of this alteration remains unclear.